The following is an entry in ClinVar:

ClinVar aggregate classification (germline): Uncertain significance (1 of 4 stars; one submission).

Conditions:
Hereditary spastic paraplegia 11. Also called: Autosomal recessive hereditary spastic paraplegia, mental impairment, and thin corpus callosum; SPASTIC PARAPLEGIA, AUTOSOMAL RECESSIVE, COMPLICATED, WITH THIN CORPUS CALLOSUM; SPASTIC PARAPLEGIA, AUTOSOMAL RECESSIVE, WITH MENTAL IMPAIRMENT AND THIN CORPUS CALLOSUM; Spastic paraplegia, mental retardation and thin corpus callosum; Spastic Paraplegia 11; Nakamura Osame syndrome. Identifiers: Orphanet 2822, MedGen C1858479, MONDO:0011445, OMIM 604360.

Allele frequency attached by ClinVar (database versions not stated): gnomAD exomes below 0.00001; TOPMed below 0.00001; gnomAD 0.00001.
gnomAD v4.1: 5 of 1,613,268 alleles (0.00031%); highest among the groups gnomAD compares: African/African-American, 0.0013%; no homozygotes.

Submission:

Labcorp Genetics (formerly Invitae), Labcorp
Classification: Uncertain significance for Hereditary spastic paraplegia 11. Last evaluated: 2021-04-21. Review status: criteria provided, single submitter. Criteria: Invitae Variant Classification Sherloc (09022015). Collection method: clinical testing. Allele origin: germline.
Comment: In summary, the available evidence is currently insufficient to determine the role of this variant in disease. Therefore, it has been classified as a Variant of Uncertain Significance. Algorithms developed to predict the effect of missense changes on protein structure and function are either unavailable or do not agree on the potential impact of this missense change (SIFT: "Tolerated"; PolyPhen-2: "Possibly Damaging"; Align-GVGD: "Class C0"). This variant has not been reported in the literature in individuals with SPG11-related conditions. This variant is not present in population databases (ExAC no frequency). This sequence change replaces glutamine with arginine at codon 2389 of the SPG11 protein (p.Gln2389Arg). The glutamine residue is moderately conserved and there is a small physicochemical difference between glutamine and arginine.

NM_025137.4(SPG11):c.7166A>G (p.Gln2389Arg)

Gene: SPG11 (SPG11 vesicle trafficking associated, spatacsin; minus strand). Cytogenetic location: 15q21.1.
Variant type: single nucleotide variant.
Coding change: c.7166A>G on transcript NM_025137.4 (MANE Select); coding-DNA position 7166, A replaced by G.
Protein change: p.Gln2389Arg; replaces glutamine 2389 with arginine.
Molecular consequence: missense variant.
Genome position (GRCh38, 1-based): chr15:44,563,287, T>C on the plus strand (A>G on the coding strand, the complement: SPG11 is on the minus strand). VCF-style: chr15-44563287-T-C. GRCh37 (hg19) VCF-style: chr15-44855485-T-C.
Other names: c.6827A>G, p.Gln2276Arg (NM_001160227.2); short protein forms Q2389R, Q2276R.
Identifiers: ClinVar variation 1478689 (VCV001478689.8), dbSNP rs1321393268, ClinGen allele CA392211818.